The following is an entry in ClinVar:

NM_017666.5(ZNF280C):c.491_493del (p.Glu164del)

Gene: ZNF280C (zinc finger protein 280C; minus strand). Cytogenetic location: Xq26.1.
Variant type: Deletion.
Coding change: c.491_493del on transcript NM_017666.5 (MANE Select); coding-DNA positions 491 to 493, 3 bases deleted (AAG; older notation c.491_493delAAG).
Protein change: p.Glu164del; deletes glutamic acid 164.
Molecular consequence: inframe deletion.
Genome position (GRCh38, 1-based): chrX:130,239,582-130,239,584, CTT deleted on the plus strand (AAG on the coding strand, the reverse complement: ZNF280C is on the minus strand); deleting any 3 consecutive bases within chrX:130,239,582-130,239,586 gives the same sequence; the c. name uses the placement nearest the transcript's 3' end. VCF-style (leftmost placement, unchanged base first): chrX-130239581-CCTT-C. GRCh37 (hg19) VCF-style: chrX-129373555-CCTT-C.
Other names: short protein forms E164del.
Identifiers: ClinVar variation 2661437 (VCV002661437.24), dbSNP rs776773979, ClinGen allele CA10516024.
Genomic context (GRCh38, chrX:130,239,581, plus strand): 5'-TCCATATGTATATTCGACAAGTCTCTTTTTATAATTTTTATGAAAGAGTGCTAAACCAAA[CCTT>C]CTCTAAAAATTGCTGGTATGTCTTGGGATGGTGGTAGTGATTCCTGGGTCGAGTCAAACA-3'

ClinVar aggregate classification (germline): Likely benign (1 of 4 stars; one submission).

Submission:

CeGaT Center for Human Genetics Tuebingen
Classification: Likely benign. Last evaluated: 2023-01-01. Review status: criteria provided, single submitter. Criteria: CeGaT Center For Human Genetics Tuebingen Variant Classification Criteria Version 2. Collection method: clinical testing. Allele origin: germline. Affected: yes. Observed: 1 variant allele.
Comment: ZNF280C: BS2